The following is an entry in ClinVar:

NM_006231.4(POLE):c.1968C>A (p.Phe656Leu)

Gene: POLE (DNA polymerase epsilon, catalytic subunit; minus strand). Cytogenetic location: 12q24.33.
Variant type: single nucleotide variant.
Coding change: c.1968C>A on transcript NM_006231.4 (MANE Select); coding-DNA position 1968, C replaced by A.
Protein change: p.Phe656Leu; replaces phenylalanine 656 with leucine.
Molecular consequence: missense variant.
Genome position (GRCh38, 1-based): chr12:132,668,693, G>T on the plus strand (C>A on the coding strand, the complement: POLE is on the minus strand). VCF-style: chr12-132668693-G-T. GRCh37 (hg19) VCF-style: chr12-133245279-G-T.
Other names: c.1968C>A (NM_006231.2); short protein forms F656L.
Identifiers: ClinVar variation 835165 (VCV000835165.12), dbSNP rs931232874, ClinGen allele CA246289124.

ClinVar aggregate classification (germline): Uncertain significance. Review status: criteria provided, multiple submitters, no conflicts (2 of 4 stars). 2 submissions from 2 submitters: Uncertain significance (2). Last evaluated 2025-12-05.

Conditions:
Hereditary cancer-predisposing syndrome. Also called: Hereditary neoplastic syndrome; Neoplastic Syndromes, Hereditary; Tumor predisposition; Hereditary Cancer Syndrome. Identifiers: Orphanet 140162, MedGen C0027672, MeSH D009386, MONDO:0015356.

Allele frequency attached by ClinVar (database versions not stated): TOPMed below 0.00001.

Submissions (2):

Ambry Genetics
Classification: Uncertain significance for Hereditary cancer-predisposing syndrome. Last evaluated: 2025-12-05. Review status: criteria provided, single submitter. Criteria: Ambry Variant Classification Scheme 2023. Collection method: clinical testing. Allele origin: germline.
Comment: The p.F656L variant (also known as c.1968C>A), located in coding exon 18 of the POLE gene, results from a C to A substitution at nucleotide position 1968. The phenylalanine at codon 656 is replaced by leucine, an amino acid with highly similar properties. This amino acid position is conserved. In addition, this alteration is predicted to be tolerated by in silico analysis. Based on the available evidence, the clinical significance of this variant remains unclear.

Labcorp Genetics (formerly Invitae), Labcorp
Classification: Uncertain significance. Last evaluated: 2024-03-30. Review status: criteria provided, single submitter. Criteria: Invitae Variant Classification Sherloc (09022015). Collection method: clinical testing. Allele origin: germline.
Comment: This sequence change replaces phenylalanine, which is neutral and non-polar, with leucine, which is neutral and non-polar, at codon 656 of the POLE protein (p.Phe656Leu). This variant is not present in population databases (gnomAD no frequency). This variant has not been reported in the literature in individuals affected with POLE-related conditions. ClinVar contains an entry for this variant (Variation ID: 835165). Advanced modeling of protein sequence and biophysical properties (such as structural, functional, and spatial information, amino acid conservation, physicochemical variation, residue mobility, and thermodynamic stability) performed at Invitae indicates that this missense variant is expected to disrupt POLE protein function with a positive predictive value of 80%. In summary, the available evidence is currently insufficient to determine the role of this variant in disease. Therefore, it has been classified as a Variant of Uncertain Significance.